The following is an entry in ClinVar:

NM_000092.5(COL4A4):c.1833T>C (p.Gly611=)

Gene: COL4A4 (collagen type IV alpha 4 chain; minus strand). Cytogenetic location: 2q36.3.
Variant type: single nucleotide variant.
Coding change: c.1833T>C on transcript NM_000092.5 (MANE Select); coding-DNA position 1833, T replaced by C.
Protein change: p.Gly611=; no amino-acid change (glycine 611 retained).
Molecular consequence: synonymous variant.
Genome position (GRCh38, 1-based): chr2:227,078,048, A>G on the plus strand (T>C on the coding strand, the complement: COL4A4 is on the minus strand). VCF-style: chr2-227078048-A-G. GRCh37 (hg19) VCF-style: chr2-227942764-A-G.
Identifiers: ClinVar variation 500055 (VCV000500055.65), dbSNP rs145806603, ClinGen allele CA2145034.

ClinVar aggregate classification (germline): Benign/Likely benign. Review status: criteria provided, multiple submitters, no conflicts (2 of 4 stars). 15 submissions from 15 submitters: Benign (7); Likely benign (5). 3 of the submissions do not count toward it. Last evaluated 2026-06-01.

Conditions:
Autosomal recessive Alport syndrome (ATS2). Also called: Alport syndrome type 2; ALPORT SYNDROME 2, AUTOSOMAL RECESSIVE; COL4A4 Alport Syndrome and Thin Basement Membrane Nephropathy; COL4A3-Related Nephropathy. Identifiers: Orphanet 63, Orphanet 88919, MedGen C4746745, MONDO:0008762, OMIM 203780.
Benign familial hematuria. Also called: thin basement membrane disease. Identifiers: MedGen C0241908, MONDO:0957317.
Alport syndrome. Also called: Hemorrhagic familial nephritis; Hemorrhagic hereditary nephritis; Congenital hereditary hematuria. Identifiers: Orphanet 63, MedGen C1567741, MONDO:0018965.
Kidney disorder. Also called: renal disorder; Nephropathy; Kidney disease; Kidney Diseases; renal disease. Identifiers: MedGen C0022658, MONDO:0005240, HP:0000112.

Allele frequency attached by ClinVar (database versions not stated): 1000 Genomes Project 0.00260; 1000 Genomes Project 30x 0.00312; ESP Exome Variant Server 0.00414; gnomAD exomes 0.00439 and 0.00523; ExAC 0.00450; gnomAD 0.00468 and 0.00479; TOPMed 0.00549.
gnomAD v4.1: 7,270 of 1,613,846 alleles (0.45%); highest among the groups gnomAD compares: Admixed American, 0.64%; 57 homozygotes.

Submissions (15):

CeGaT Center for Human Genetics Tuebingen
Classification: Likely benign. Last evaluated: 2026-06-01. Review status: criteria provided, single submitter. Criteria: CeGaT Center For Human Genetics Tuebingen Variant Classification Criteria Version 2. Collection method: clinical testing. Allele origin: germline. Affected: yes. Observed: 9 variant alleles.
Comment: COL4A4: BP4, BP7, BS2

Women's Health and Genetics/Laboratory Corporation of America, LabCorp
Classification: Benign. Last evaluated: 2026-03-23. Review status: criteria provided, single submitter. Criteria: LabCorp Variant Classification Summary - May 2015. Collection method: clinical testing. Allele origin: germline.

Labcorp Genetics (formerly Invitae), Labcorp
Classification: Benign. Last evaluated: 2026-02-04. Review status: criteria provided, single submitter. Criteria: Invitae Variant Classification Sherloc (09022015). Collection method: clinical testing. Allele origin: germline.

Blueprint Genetics
Classification: Likely benign. Last evaluated: 2024-11-25. Review status: criteria provided, single submitter. Criteria: ACMG Guidelines, 2015. Collection method: clinical testing. Allele origin: germline.

Fulgent Genetics
Classification: Benign for Hematuria, benign familial, 1; Autosomal recessive Alport syndrome. Last evaluated: 2021-09-23. Review status: criteria provided, single submitter. Criteria: ACMG Guidelines, 2015. Collection method: clinical testing. Allele origin: unknown.

Genome Diagnostics Laboratory, The Hospital for Sick Children
Classification: Likely benign for Kidney disorder. Last evaluated: 2020-02-01. Review status: criteria provided, single submitter. Criteria: ACMG Guidelines, 2015. Collection method: clinical testing. Allele origin: germline.

GeneDx
Classification: Benign. Last evaluated: 2018-05-04. Review status: criteria provided, single submitter. Criteria: GeneDx Variant Classification (06012015). Collection method: clinical testing. Allele origin: germline. Affected: yes.
Comment: This variant is considered likely benign or benign based on one or more of the following criteria: it is a conservative change, it occurs at a poorly conserved position in the protein, it is predicted to be benign by multiple in silico algorithms, and/or has population frequency not consistent with disease.

Illumina Laboratory Services, Illumina
Classification: Likely benign for Alport syndrome. Last evaluated: 2018-01-12. Review status: criteria provided, single submitter. Criteria: ICSL Variant Classification Criteria 13 December 2019. Collection method: clinical testing. Allele origin: germline.
Comment: This variant was observed in the ICSL laboratory as part of a predisposition screen in an ostensibly healthy population. It had not been previously curated by ICSL or reported in the Human Gene Mutation Database (HGMD: prior to June 1st, 2018), and was therefore a candidate for classification through an automated scoring system. Utilizing variant allele frequency, disease prevalence and penetrance estimates, and inheritance mode, an automated score was calculated to assess if this variant is too frequent to cause the disease. Based on the score and internal cut-off values, a variant classified as likely benign is not then subjected to further curation. The score for this variant resulted in a classification of likely benign for this disease.

Athena Diagnostics
Classification: Benign. Last evaluated: 2017-11-13. Review status: criteria provided, single submitter. Criteria: Athena Diagnostics Criteria. Collection method: clinical testing. Allele origin: germline.

Eurofins Ntd Llc (ga)
Classification: Benign. Last evaluated: 2017-02-06. Review status: criteria provided, single submitter. Criteria: EGL Classification Definitions 2015. Collection method: clinical testing. Allele origin: germline. Observed: 1 variant allele, 1 heterozygote.

Laboratory for Molecular Medicine, Mass General Brigham Personalized Medicine
Classification: Benign. Last evaluated: 2016-03-21. Review status: criteria provided, single submitter. Criteria: LMM Criteria. Collection method: clinical testing. Allele origin: germline. Observed: 2 variant alleles.
Comment: p.Gly611Gly in exon 25 of COL4A4: This variant is not expected to have clinical significance because it does not alter an amino acid residue, is not located wit hin the splice consensus sequence, and has been identified in 0.69% (449/65490) of European chromosomes by the Exome Aggregation Consortium (ExAC; dbSNP rs145806603).

Breakthrough Genomics
Classification: Likely benign. Review status: criteria provided, single submitter. Criteria: ACMG Guidelines, 2015. Collection method: not provided. Allele origin: germline. Inheritance: Autosomal recessive inheritance. Affected: yes.

Clinical Genetics DNA and cytogenetics Diagnostics Lab, Erasmus MC, Erasmus Medical Center
Classification: Likely benign. Review status: no assertion criteria provided. Collection method: clinical testing. Allele origin: germline. Affected: yes. Study: VKGL Data-share Consensus. Not counted in ClinVar's aggregate classification.

Genome Diagnostics Laboratory, University Medical Center Utrecht
Classification: Benign. Review status: no assertion criteria provided. Collection method: clinical testing. Allele origin: germline. Affected: yes. Study: VKGL Data-share Consensus. Not counted in ClinVar's aggregate classification.

Joint Genome Diagnostic Labs from Nijmegen and Maastricht, Radboudumc and MUMC+
Classification: Likely benign. Review status: no assertion criteria provided. Collection method: clinical testing. Allele origin: germline. Affected: yes. Study: VKGL Data-share Consensus. Not counted in ClinVar's aggregate classification.

Literature cited by the submitters: PubMed 17396119 (cited by Athena Diagnostics); PubMed 14582039 (cited by Athena Diagnostics).